The following is an entry in ClinVar:

ClinVar aggregate classification (germline): Conflicting classifications of pathogenicity. Review status: criteria provided, conflicting classifications (1 of 4 stars). 4 submissions from 4 submitters: Uncertain significance (2); Likely benign (1). 1 of the submissions does not count toward it. Last evaluated 2026-02-01.

Conditions:
Retinal dystrophy. Also called: Inherited retinal dystrophy. Identifiers: Orphanet 71862, MedGen C0854723, MeSH D058499, MONDO:0019118, HP:0000556.
Inborn genetic diseases. Identifiers: MedGen C0950123, MeSH D030342.

Allele frequency attached by ClinVar (database versions not stated): gnomAD 0.00004; TOPMed 0.00006; ESP Exome Variant Server 0.00008.

Submissions (4):

Labcorp Genetics (formerly Invitae), Labcorp
Classification: Uncertain significance. Last evaluated: 2026-02-01. Review status: criteria provided, single submitter. Criteria: Invitae Variant Classification Sherloc (09022015). Collection method: clinical testing. Allele origin: germline.
Comment: This sequence change replaces methionine, which is neutral and non-polar, with threonine, which is neutral and polar, at codon 65 of the RP1L1 protein (p.Met65Thr). This variant is present in population databases (rs377036512, gnomAD 0.06%). This missense change has been observed in individual(s) with macular dystrophy (PMID: 37287645). ClinVar contains an entry for this variant (Variation ID: 1053278). Invitae Evidence Modeling of protein sequence and biophysical properties (such as structural, functional, and spatial information, amino acid conservation, physicochemical variation, residue mobility, and thermodynamic stability) indicates that this missense variant is not expected to disrupt RP1L1 protein function with a negative predictive value of 80%. In summary, the available evidence is currently insufficient to determine the role of this variant in disease. Therefore, it has been classified as a Variant of Uncertain Significance.

Blueprint Genetics
Classification: Likely benign. Last evaluated: 2024-10-24. Review status: criteria provided, single submitter. Criteria: ACMG Guidelines, 2015. Collection method: clinical testing. Allele origin: germline.

Ambry Genetics
Classification: Uncertain significance for Inborn genetic diseases. Last evaluated: 2022-09-14. Review status: criteria provided, single submitter. Criteria: Ambry Variant Classification Scheme 2023. Collection method: clinical testing. Allele origin: germline.

Institute of Human Genetics, Univ. Regensburg, Univ. Regensburg
Classification: Uncertain significance for Retinal dystrophy. Last evaluated: 2022-01-01. Review status: no assertion criteria provided. Criteria: ACMG Guidelines, 2015. Collection method: clinical testing. Allele origin: germline. Affected: yes. Not counted in ClinVar's aggregate classification.

Literature cited by the submitters: PubMed 37287645 (cited by Labcorp Genetics (formerly Invitae), Labcorp).

NM_178857.6(RP1L1):c.194T>C (p.Met65Thr)

Gene: RP1L1 (RP1 like 1). Cytogenetic location: 8p23.1.
Variant type: single nucleotide variant.
Coding change: c.194T>C on transcript NM_178857.6 (MANE Select); coding-DNA position 194, T replaced by C.
Protein change: p.Met65Thr; replaces methionine 65 with threonine.
Molecular consequence: missense variant.
Genome position (GRCh38, 1-based): chr8:10,623,008, A>G on the plus strand (T>C on the coding strand, the complement: RP1L1 is on the minus strand). VCF-style: chr8-10623008-A-G. GRCh37 (hg19) VCF-style: chr8-10480518-A-G.
Other names: c.194T>C (NM_178857.5); short protein forms M65T.
Identifiers: ClinVar variation 1053278 (VCV001053278.10), dbSNP rs377036512, ClinGen allele CA4625829.